The following is an entry in ClinVar:

NM_203475.3(PORCN):c.886C>G (p.Arg296Gly)

Gene: PORCN (porcupine O-acyltransferase; plus strand). Cytogenetic location: Xp11.23.
Variant type: single nucleotide variant.
Coding change: c.886C>G on transcript NM_203475.3 (MANE Select); coding-DNA position 886, C replaced by G.
Protein change: p.Arg296Gly; replaces arginine 296 with glycine.
Molecular consequence: missense variant. On other transcripts: non-coding transcript variant (2).
Genome position (GRCh38, 1-based): chrX:48,514,565, C>G. VCF-style: chrX-48514565-C-G. GRCh37 (hg19) VCF-style: chrX-48372953-C-G.
Other names: c.640C>G, p.Arg214Gly (NM_001282167.2); c.1210C>G, p.Arg404Gly (NM_001441333.1); c.1192C>G, p.Arg398Gly (NM_001441334.1); c.958C>G, p.Arg320Gly (NM_001441335.1); c.1045C>G, p.Arg349Gly (NM_001441336.1); c.853C>G, p.Arg285Gly (NM_022825.4); c.871C>G, p.Arg291Gly (NM_203473.3); c.868C>G, p.Arg290Gly (NM_203474.1); short protein forms R214G, R291G, R296G, R398G, R285G, R290G, R320G, R404G.
Identifiers: ClinVar variation 4994845 (VCV004994845.1).

ClinVar aggregate classification (germline): Uncertain significance (1 of 4 stars; one submission).

Conditions:
PORCN-related disorder. Also called: PORCN-related condition.

Submission:

PreventionGenetics, part of Exact Sciences
Classification: Uncertain significance for PORCN-related condition. Last evaluated: 2025-12-05. Review status: criteria provided, single submitter. Criteria: ACMG Guidelines, 2015. Collection method: clinical testing. Allele origin: germline.
Comment: The PORCN c.886C>G variant is predicted to result in the amino acid substitution p.Arg296Gly. To our knowledge, this variant has not been reported in the literature or in a large population database (gnomAD), indicating this variant is rare. At this time, the clinical significance of this variant is uncertain due to the absence of conclusive functional and genetic evidence.